The following is an entry in ClinVar:

ClinVar aggregate classification (germline): Conflicting classifications of pathogenicity. Review status: criteria provided, conflicting classifications (1 of 4 stars). 4 submissions from 4 submitters: Uncertain significance (1); Benign (1); Likely benign (2). Last evaluated 2025-03-26.

Conditions:
Alagille syndrome due to a JAG1 point mutation. Also called: Alagille Syndrome 1; HEPATIC DUCTULAR HYPOPLASIA, SYNDROMATIC; JAG1-Related Alagille Syndrome. Identifiers: Orphanet 261619, Orphanet 52, MedGen C1956125, MONDO:0016862, OMIM 118450.
Isolated Nonsyndromic Congenital Heart Disease.
Cardiovascular phenotype. Identifiers: MedGen CN230736.

Allele frequency attached by ClinVar (database versions not stated): gnomAD 0.00006; TOPMed 0.00006; ESP Exome Variant Server 0.00008; gnomAD exomes 0.00002 and 0.00004; ExAC 0.00004.
gnomAD v4.1: 47 of 1,613,752 alleles (0.0029%); highest among the groups gnomAD compares: Middle Eastern, 0.033%; no homozygotes.

Submissions (4):

Labcorp Genetics (formerly Invitae), Labcorp
Classification: Likely benign for Alagille syndrome due to a JAG1 point mutation. Last evaluated: 2025-03-26. Review status: criteria provided, single submitter. Criteria: Invitae Variant Classification Sherloc (09022015). Collection method: clinical testing. Allele origin: germline.

Ambry Genetics
Classification: Uncertain significance for Cardiovascular phenotype. Last evaluated: 2024-10-04. Review status: criteria provided, single submitter. Criteria: Ambry Variant Classification Scheme 2023. Collection method: clinical testing. Allele origin: germline.
Comment: The p.R843W variant (also known as c.2527C>T), located in coding exon 21 of the JAG1 gene, results from a C to T substitution at nucleotide position 2527. The arginine at codon 843 is replaced by tryptophan, an amino acid with dissimilar properties. This amino acid position is conserved. In addition, the in silico prediction for this alteration is inconclusive. Since supporting evidence is limited at this time, the clinical significance of this alteration remains unclear.

Blueprint Genetics
Classification: Likely benign. Last evaluated: 2024-04-26. Review status: criteria provided, single submitter. Criteria: ACMG Guidelines, 2015. Collection method: clinical testing. Allele origin: germline.

Illumina Laboratory Services, Illumina
Classification: Benign for Isolated Nonsyndromic Congenital Heart Disease. Last evaluated: 2018-01-12. Review status: criteria provided, single submitter. Criteria: ICSL Variant Classification Criteria 13 December 2019. Collection method: clinical testing. Allele origin: germline.
Comment: This variant was observed in the ICSL laboratory as part of a predisposition screen in an ostensibly healthy population. It had not been previously curated by ICSL or reported in the Human Gene Mutation Database (HGMD: prior to June 1st, 2018), and was therefore a candidate for classification through an automated scoring system. Utilizing variant allele frequency, disease prevalence and penetrance estimates, and inheritance mode, an automated score was calculated to assess if this variant is too frequent to cause the disease. Based on the score and internal cut-off values, a variant classified as benign is not then subjected to further curation. The score for this variant resulted in a classification of benign for this disease.

NM_000214.3(JAG1):c.2527C>T (p.Arg843Trp)

Gene: JAG1 (jagged canonical Notch ligand 1; minus strand). Cytogenetic location: 20p12.2.
Variant type: single nucleotide variant.
Coding change: c.2527C>T on transcript NM_000214.3 (MANE Select); coding-DNA position 2527, C replaced by T.
Protein change: p.Arg843Trp; replaces arginine 843 with tryptophan.
Molecular consequence: missense variant.
Genome position (GRCh38, 1-based): chr20:10,642,533, G>A on the plus strand (C>T on the coding strand, the complement: JAG1 is on the minus strand). VCF-style: chr20-10642533-G-A. GRCh37 (hg19) VCF-style: chr20-10623181-G-A.
Other names: short protein forms R843W.
Identifiers: ClinVar variation 897677 (VCV000897677.13), dbSNP rs201608372, ClinGen allele CA9764476.